The following is an entry in ClinVar:

ClinVar aggregate classification (germline): Uncertain significance. Review status: criteria provided, multiple submitters, no conflicts (2 of 4 stars). 2 submissions from 2 submitters: Uncertain significance (2). Last evaluated 2026-02-17.

Conditions:
BBS9-related disorder. Also called: BBS9-related condition.

gnomAD v4.1: 8 of 1,613,746 alleles (0.0005%); highest among the groups gnomAD compares: East Asian, 0.016%; no homozygotes.

Submissions (2):

PreventionGenetics, part of Exact Sciences
Classification: Uncertain significance for BBS9-related condition. Last evaluated: 2026-02-17. Review status: criteria provided, single submitter. Criteria: ACMG Guidelines, 2015. Collection method: clinical testing. Allele origin: germline.
Comment: The BBS9 c.614A>G variant is predicted to result in the amino acid substitution p.Tyr205Cys. To our knowledge, this variant has not been reported in the literature or in a large population database (gnomAD), indicating this variant is rare. At this time, the clinical significance of this variant is uncertain due to the absence of conclusive functional and genetic evidence.

Blueprint Genetics
Classification: Uncertain significance. Last evaluated: 2022-03-03. Review status: criteria provided, single submitter. Criteria: ACMG Guidelines, 2015. Collection method: clinical testing. Allele origin: germline.

NM_198428.3(BBS9):c.614A>G (p.Tyr205Cys)

Gene: BBS9 (Bardet-Biedl syndrome 9; plus strand). Cytogenetic location: 7p14.3.
Variant type: single nucleotide variant.
Coding change: c.614A>G on transcript NM_198428.3 (MANE Select); coding-DNA position 614, A replaced by G.
Protein change: p.Tyr205Cys; replaces tyrosine 205 with cysteine.
Molecular consequence: missense variant. On other transcripts: non-coding transcript variant (3).
Genome position (GRCh38, 1-based): chr7:33,257,407, A>G. VCF-style: chr7-33257407-A-G. GRCh37 (hg19) VCF-style: chr7-33297019-A-G.
Other names: c.248A>G, p.Tyr83Cys (NM_001348046.3, NM_001348037.3, NM_001348044.3 and 1 more transcripts); c.614A>G, p.Tyr205Cys (NM_001362679.1, NM_014451.4, NM_001033604.2 and 5 more transcripts); c.341A>G, p.Tyr114Cys (NM_001348038.3, NM_001348039.3); c.479A>G, p.Tyr160Cys (NM_001348042.3); short protein forms Y160C, Y114C, Y83C, Y205C.
Identifiers: ClinVar variation 4895643 (VCV004895643.2).